The following is an entry in ClinVar:

ClinVar aggregate classification (germline): Uncertain significance (1 of 4 stars; one submission).

Conditions:
Inborn genetic diseases. Identifiers: MedGen C0950123, MeSH D030342.

Submission:

Ambry Genetics
Classification: Uncertain significance for Inborn genetic diseases. Last evaluated: 2025-08-25. Review status: criteria provided, single submitter. Criteria: Ambry Variant Classification Scheme 2023. Collection method: clinical testing. Allele origin: germline.
Comment: The p.F239L variant (also known as c.715T>C), located in coding exon 5 of the MECOM gene, results from a T to C substitution at nucleotide position 715. The phenylalanine at codon 239 is replaced by leucine, an amino acid with highly similar properties. This amino acid position is conserved. In addition, the in silico prediction for this alteration is inconclusive. Based on the available evidence, the clinical significance of this variant remains unclear.

NM_004991.4(MECOM):c.715T>C (p.Phe239Leu)

Gene: MECOM (MDS1 and EVI1 complex locus; minus strand). Cytogenetic location: 3q26.2.
Variant type: single nucleotide variant.
Coding change: c.715T>C on transcript NM_004991.4 (MANE Select); coding-DNA position 715, T replaced by C.
Protein change: p.Phe239Leu; replaces phenylalanine 239 with leucine.
Molecular consequence: missense variant.
Genome position (GRCh38, 1-based): chr3:169,127,959, A>G on the plus strand (T>C on the coding strand, the complement: MECOM is on the minus strand). VCF-style: chr3-169127959-A-G. GRCh37 (hg19) VCF-style: chr3-168845747-A-G.
Other names: c.343T>C, p.Phe115Leu (NM_001105077.4); c.151T>C, p.Phe51Leu (NM_001105078.4, NM_001163999.2, NM_001164000.2 and 9 more transcripts); c.715T>C, p.Phe239Leu (NM_001366466.2, NM_001366473.2); short protein forms F239L, F51L, F115L.
Identifiers: ClinVar variation 4105877 (VCV004105877.1).